The following is an entry in ClinVar:

NM_000328.3(RPGR):c.2350_2352del (p.Asp784del)

Gene: RPGR (retinitis pigmentosa GTPase regulator; minus strand). Cytogenetic location: Xp11.4.
Variant type: Deletion.
Coding change: c.2350_2352del on transcript NM_000328.3; coding-DNA positions 2350 to 2352, 3 bases deleted (GAT; older notation c.2350_2352delGAT).
Protein change: p.Asp784del; deletes aspartic acid 784.
Molecular consequence: inframe deletion. On other transcripts: non-coding transcript variant (6).
Genome position (GRCh38, 1-based): chrX:38,269,722-38,269,724, ATC deleted on the plus strand (GAT on the coding strand, the reverse complement: RPGR is on the minus strand); deleting any 3 consecutive bases within chrX:38,269,722-38,269,725 gives the same sequence; the c. name uses the placement nearest the transcript's 3' end. VCF-style (leftmost placement, unchanged base first): chrX-38269721-TATC-T. GRCh37 (hg19) VCF-style: chrX-38128974-TATC-T.
Other names: c.2047_2049del, p.Asp683del (NM_001367248.1); c.2014_2016del, p.Asp672del (NM_001367249.1, NM_001367250.1); c.1831_1833del, p.Asp611del (NM_001367251.1); c.2347_2349del, p.Asp783del (NM_001367245.1); c.2164_2166del, p.Asp722del (NM_001367246.1); c.2017_2019del, p.Asp673del (NM_001367247.1); short protein forms D611del, D784del, D672del, D722del, D683del, D673del, D783del.
Identifiers: ClinVar variation 3729674 (VCV003729674.2).
Genomic context (GRCh38, chrX:38,269,721, plus strand): 5'-TATTTGTTGGTGGGATATTCTGATGATTCTGACTCATGTGGTTCTGGTCGGCATCTTTAT[TATC>T]ACTTTTTAAAATGATCTGGTCTCCTATGGATTTTATCTCTGGGAGCGGCTCATTGTTATT-3'

ClinVar aggregate classification (germline): Uncertain significance (1 of 4 stars; one submission).

Conditions:
Primary ciliary dyskinesia. Also called: Ciliary dyskinesia. Identifiers: Orphanet 244, MedGen C0008780, MONDO:0016575, HP:0012265.

Submission:

Labcorp Genetics (formerly Invitae), Labcorp
Classification: Uncertain significance for Primary ciliary dyskinesia. Last evaluated: 2025-01-27. Review status: criteria provided, single submitter. Criteria: Invitae Variant Classification Sherloc (09022015). Collection method: clinical testing. Allele origin: germline.
Comment: This variant, c.2350_2352del, results in the deletion of 1 amino acid(s) of the RPGR protein (p.Asp784del), but otherwise preserves the integrity of the reading frame. This variant is not present in population databases (gnomAD no frequency). This variant has not been reported in the literature in individuals affected with RPGR-related conditions. Experimental studies and prediction algorithms are not available or were not evaluated, and the functional significance of this variant is currently unknown. In summary, the available evidence is currently insufficient to determine the role of this variant in disease. Therefore, it has been classified as a Variant of Uncertain Significance.